The following is an entry in ClinVar:

NM_005515.4(MNX1):c.265G>A (p.Ala89Thr)

Gene: MNX1 (motor neuron and pancreas homeobox 1; minus strand). Cytogenetic location: 7q36.3.
Variant type: single nucleotide variant.
Coding change: c.265G>A on transcript NM_005515.4 (MANE Select); coding-DNA position 265, G replaced by A.
Protein change: p.Ala89Thr; replaces alanine 89 with threonine.
Molecular consequence: missense variant.
Genome position (GRCh38, 1-based): chr7:157,010,086, C>T on the plus strand (G>A on the coding strand, the complement: MNX1 is on the minus strand). VCF-style: chr7-157010086-C-T. GRCh37 (hg19) VCF-style: chr7-156802780-C-T.
Other names: short protein forms A89T.
Identifiers: ClinVar variation 4806145 (VCV004806145.1).

ClinVar aggregate classification (germline): Uncertain significance (1 of 4 stars; one submission).

Submission:

Labcorp Genetics (formerly Invitae), Labcorp
Classification: Uncertain significance. Last evaluated: 2025-03-10. Review status: criteria provided, single submitter. Criteria: Invitae Variant Classification Sherloc (09022015). Collection method: clinical testing. Allele origin: germline.
Comment: This sequence change replaces alanine, which is neutral and non-polar, with threonine, which is neutral and polar, at codon 89 of the MNX1 protein (p.Ala89Thr). The frequency data for this variant in the population databases is considered unreliable, as metrics indicate insufficient coverage at this position in the gnomAD database. This variant has not been reported in the literature in individuals affected with MNX1-related conditions. Invitae Evidence Modeling of protein sequence and biophysical properties (such as structural, functional, and spatial information, amino acid conservation, physicochemical variation, residue mobility, and thermodynamic stability) indicates that this missense variant is not expected to disrupt MNX1 protein function with a negative predictive value of 80%. In summary, the available evidence is currently insufficient to determine the role of this variant in disease. Therefore, it has been classified as a Variant of Uncertain Significance.